The following is an entry in ClinVar:

ClinVar aggregate classification (germline): Pathogenic (1 of 4 stars; one submission).

Conditions:
Rienhoff syndrome. Also called: LOEYS-DIETZ SYNDROME 5. Identifiers: MedGen C3810012, MONDO:0014262, OMIM 615582.

Submission:

Labcorp Genetics (formerly Invitae), Labcorp
Classification: Pathogenic for Rienhoff syndrome. Last evaluated: 2023-08-18. Review status: criteria provided, single submitter. Criteria: Invitae Variant Classification Sherloc (09022015). Collection method: clinical testing. Allele origin: germline.
Comment: This variant is not present in population databases (gnomAD no frequency). This sequence change creates a premature translational stop signal (p.Gln166*) in the TGFB3 gene. It is expected to result in an absent or disrupted protein product. Loss-of-function variants in TGFB3 are known to be pathogenic (PMID: 25835445, 26188975). This variant has not been reported in the literature in individuals affected with TGFB3-related conditions. For these reasons, this variant has been classified as Pathogenic.

Literature cited by the submitters: PubMed 25835445; PubMed 26188975.

NM_003239.5(TGFB3):c.496C>T (p.Gln166Ter)

Gene: TGFB3 (transforming growth factor beta 3; minus strand). Cytogenetic location: 14q24.3.
Variant type: single nucleotide variant.
Coding change: c.496C>T on transcript NM_003239.5 (MANE Select); coding-DNA position 496, C replaced by T.
Protein change: p.Gln166Ter; replaces glutamine 166 with a stop codon.
Molecular consequence: nonsense.
Genome position (GRCh38, 1-based): chr14:75,971,575, G>A on the plus strand (C>T on the coding strand, the complement: TGFB3 is on the minus strand). VCF-style: chr14-75971575-G-A. GRCh37 (hg19) VCF-style: chr14-76437918-G-A.
Other names: c.496C>T, p.Gln166Ter (NM_001329938.2, NM_001329939.2); short protein forms Q166*.
Identifiers: ClinVar variation 2806440 (VCV002806440.3), dbSNP rs2504111670, ClinGen allele CA390469899.